The following is an entry in ClinVar:

ClinVar aggregate classification (germline): Benign. Review status: criteria provided, single submitter (1 of 4 stars). 2 submissions from 2 submitters: Benign (1). 1 of the submissions does not count toward it. Last evaluated 2024-10-17.

Conditions:
KRT14-related disorder. Also called: KRT14-related condition.

Allele frequency attached by ClinVar (database versions not stated): gnomAD 0.00004 and 0.00024; TOPMed 0.00006; gnomAD exomes 0.00045 and 0.00090; ExAC 0.00096; 1000 Genomes Project 30x 0.00109; 1000 Genomes Project 0.00140.

Submissions (2):

Labcorp Genetics (formerly Invitae), Labcorp
Classification: Benign. Last evaluated: 2024-10-17. Review status: criteria provided, single submitter. Criteria: Invitae Variant Classification Sherloc (09022015). Collection method: clinical testing. Allele origin: germline.

PreventionGenetics, part of Exact Sciences
Classification: Benign for KRT14-related condition. Last evaluated: 2019-09-27. Review status: no assertion criteria provided. Collection method: clinical testing. Allele origin: germline. Not counted in ClinVar's aggregate classification.
Comment: This variant is classified as benign based on ACMG/AMP sequence variant interpretation guidelines (Richards et al. 2015 PMID: 25741868, with internal and published modifications).

NM_000526.5(KRT14):c.739G>A (p.Ala247Thr)

Gene: KRT14 (keratin 14; minus strand). Cytogenetic location: 17q21.2.
Variant type: single nucleotide variant.
Coding change: c.739G>A on transcript NM_000526.5 (MANE Select); coding-DNA position 739, G replaced by A.
Protein change: p.Ala247Thr; replaces alanine 247 with threonine.
Molecular consequence: missense variant.
Genome position (GRCh38, 1-based): chr17:41,584,283, C>T on the plus strand (G>A on the coding strand, the complement: KRT14 is on the minus strand). VCF-style: chr17-41584283-C-T. GRCh37 (hg19) VCF-style: chr17-39740535-C-T.
Other names: short protein forms A247T.
Identifiers: ClinVar variation 764765 (VCV000764765.8), dbSNP rs574163361, ClinGen allele CA8562633.